The following is an entry in ClinVar:

NM_133497.4(KCNV2):c.553C>G (p.Leu185Val)

Gene: KCNV2 (potassium voltage-gated channel modifier subfamily V member 2; plus strand). Cytogenetic location: 9p24.2.
Variant type: single nucleotide variant.
Coding change: c.553C>G on transcript NM_133497.4 (MANE Select); coding-DNA position 553, C replaced by G.
Protein change: p.Leu185Val; replaces leucine 185 with valine.
Molecular consequence: missense variant.
Genome position (GRCh38, 1-based): chr9:2,718,292, C>G. VCF-style: chr9-2718292-C-G. GRCh37 (hg19) VCF-style: chr9-2718292-C-G.
Other names: short protein forms L185V.
Identifiers: ClinVar variation 934825 (VCV000934825.6), dbSNP rs780435673, ClinGen allele CA4965497.

ClinVar aggregate classification (germline): Uncertain significance. Review status: criteria provided, multiple submitters, no conflicts (2 of 4 stars). 2 submissions from 2 submitters: Uncertain significance (2). Last evaluated 2024-05-08.

Allele frequency attached by ClinVar (database versions not stated): TOPMed 0.00002.

Submissions (2):

Blueprint Genetics
Classification: Uncertain significance. Last evaluated: 2024-05-08. Review status: criteria provided, single submitter. Criteria: ACMG Guidelines, 2015. Collection method: clinical testing. Allele origin: germline.

Labcorp Genetics (formerly Invitae), Labcorp
Classification: Uncertain significance. Last evaluated: 2022-07-06. Review status: criteria provided, single submitter. Criteria: Invitae Variant Classification Sherloc (09022015). Collection method: clinical testing. Allele origin: germline.
Comment: This sequence change replaces leucine, which is neutral and non-polar, with valine, which is neutral and non-polar, at codon 185 of the KCNV2 protein (p.Leu185Val). This variant is present in population databases (rs780435673, gnomAD 0.007%). This variant has not been reported in the literature in individuals affected with KCNV2-related conditions. ClinVar contains an entry for this variant (Variation ID: 934825). Advanced modeling of protein sequence and biophysical properties (such as structural, functional, and spatial information, amino acid conservation, physicochemical variation, residue mobility, and thermodynamic stability) performed at Invitae indicates that this missense variant is not expected to disrupt KCNV2 protein function. Algorithms developed to predict the effect of sequence changes on RNA splicing suggest that this variant may create or strengthen a splice site. In summary, the available evidence is currently insufficient to determine the role of this variant in disease. Therefore, it has been classified as a Variant of Uncertain Significance.